The following is an entry in ClinVar:

ClinVar aggregate classification (germline): Uncertain significance. Review status: criteria provided, multiple submitters, no conflicts (2 of 4 stars). 4 submissions from 4 submitters: Uncertain significance (4). Last evaluated 2025-07-22.

Conditions:
Cerebral palsy, spastic quadriplegic, 2 (CPSQ2). Identifiers: Orphanet 210141, MedGen C2752061, MONDO:0013033, OMIM 612900.
KANK1-related disorder. Also called: KANK1-related condition.

Allele frequency attached by ClinVar (database versions not stated): gnomAD exomes 0.00001; TOPMed 0.00001; gnomAD 0.00003 and 0.00004; ExAC 0.00001.

Submissions (4):

PreventionGenetics, part of Exact Sciences
Classification: Uncertain significance for KANK1-related condition. Last evaluated: 2025-07-22. Review status: criteria provided, single submitter. Criteria: ACMG Guidelines, 2015. Collection method: clinical testing. Allele origin: germline.
Comment: The KANK1 c.972T>A variant is predicted to result in premature protein termination (p.Tyr324*). To our knowledge, this variant has not been reported in the literature. This variant is reported in 0.0023% of alleles in individuals of European (Non-Finnish) descent in gnomAD. At this time, the clinical significance of this variant is uncertain due to the absence of conclusive functional and genetic evidence.

Labcorp Genetics (formerly Invitae), Labcorp
Classification: Uncertain significance. Last evaluated: 2023-06-10. Review status: criteria provided, single submitter. Criteria: Invitae Variant Classification Sherloc (09022015). Collection method: clinical testing. Allele origin: germline.
Comment: In summary, the available evidence is currently insufficient to determine the role of this variant in disease. Therefore, it has been classified as a Variant of Uncertain Significance. ClinVar contains an entry for this variant (Variation ID: 502286). This variant has not been reported in the literature in individuals affected with KANK1-related conditions. This variant is present in population databases (rs750400215, gnomAD 0.002%). This sequence change creates a premature translational stop signal (p.Tyr324*) in the KANK1 gene. It is expected to result in an absent or disrupted protein product. However, the current clinical and genetic evidence is not sufficient to establish whether loss-of-function variants in KANK1 cause disease.

Fulgent Genetics
Classification: Uncertain significance for Cerebral palsy, spastic quadriplegic, 2. Last evaluated: 2021-12-03. Review status: criteria provided, single submitter. Criteria: ACMG Guidelines, 2015. Collection method: clinical testing. Allele origin: unknown.

Eurofins Ntd Llc (ga)
Classification: Uncertain significance. Last evaluated: 2017-05-30. Review status: criteria provided, single submitter. Criteria: EGL Classification Definitions 2015. Collection method: clinical testing. Allele origin: germline. Observed: 2 variant alleles, 2 heterozygotes.

NM_015158.5(KANK1):c.972T>A (p.Tyr324Ter)

Gene: KANK1 (KN motif and ankyrin repeat domains 1; plus strand). Cytogenetic location: 9p24.3.
Variant type: single nucleotide variant.
Coding change: c.972T>A on transcript NM_015158.5 (MANE Select); coding-DNA position 972, T replaced by A.
Protein change: p.Tyr324Ter; replaces tyrosine 324 with a stop codon.
Molecular consequence: nonsense. On other transcripts: non-coding transcript variant (1).
Genome position (GRCh38, 1-based): chr9:711,738, T>A. VCF-style: chr9-711738-T-A. GRCh37 (hg19) VCF-style: chr9-711738-T-A.
Other names: c.972T>A (NM_015158.3); c.498T>A, p.Tyr166Ter (NM_153186.6, NM_001354333.2, NM_001354335.2 and 9 more transcripts); c.972T>A, p.Tyr324Ter (NM_001256876.3, NM_001256877.3, NM_001354331.2 and 2 more transcripts); short protein forms Y324*, Y166*.
Identifiers: ClinVar variation 502286 (VCV000502286.10), dbSNP rs750400215, ClinGen allele CA4960085.